The following is an entry in ClinVar:

ClinVar aggregate classification (germline): Uncertain significance (0 of 4 stars; one submission).

Allele frequency attached by ClinVar (database versions not stated): gnomAD exomes below 0.00001; TOPMed below 0.00001; ExAC 0.00001; gnomAD 0.00001; ESP Exome Variant Server 0.00009.

Submission:

Department of Pathology and Laboratory Medicine, Sinai Health System
Classification: Uncertain significance. Review status: no assertion criteria provided. Collection method: clinical testing. Allele origin: unknown. Affected: yes. Study: The Canadian Open Genetics Repository (COGR).
Comment: The ARSE p.Ser345Asn variant was not identified in the literature nor was it identified in ClinVar or LOVD 3.0. The variant was identified in dbSNP (ID: rs374606461) but was not identified in the following control databases: the 1000 Genomes Project or the Genome Aggregation Database (March 6, 2019, v2.1.1). The variant was identified in the NHLBI GO Exome Sequencing Project in 1 of 3835 chromosomes (frequency: 0.00026) from the African American population, but was not identified in the European American population. The p.Ser345 residue is not conserved in mammals and computational analyses (PolyPhen-2, SIFT, AlignGVGD, BLOSUM, MutationTaster) do not suggest a high likelihood of impact to the protein; however, this information is not predictive enough to rule out pathogenicity. The variant occurs outside of the splicing consensus sequence and in silico or computational prediction software programs (SpliceSiteFinder, MaxEntScan, NNSPLICE, GeneSplicer) do not predict a difference in splicing. In summary, based on the above information the clinical significance of this variant cannot be determined with certainty at this time. This variant is classified as a variant of uncertain significance.

NM_000047.3(ARSL):c.1034G>A (p.Ser345Asn)

Gene: ARSL (arylsulfatase L; minus strand). Cytogenetic location: Xp22.33.
Variant type: single nucleotide variant.
Coding change: c.1034G>A on transcript NM_000047.3 (MANE Select); coding-DNA position 1034, G replaced by A.
Protein change: p.Ser345Asn; replaces serine 345 with asparagine.
Molecular consequence: missense variant.
Genome position (GRCh38, 1-based): chrX:2,943,157, C>T on the plus strand (G>A on the coding strand, the complement: ARSL is on the minus strand). VCF-style: chrX-2943157-C-T. GRCh37 (hg19) VCF-style: chrX-2861198-C-T.
Other names: c.1109G>A, p.Ser370Asn (NM_001282628.2, NM_001369080.1); c.872G>A, p.Ser291Asn (NM_001282631.2); c.1061G>A, p.Ser354Asn (NM_001369079.1); short protein forms S291N, S345N, S354N, S370N.
Identifiers: ClinVar variation 1050629 (VCV001050629.1), dbSNP rs374606461, ClinGen allele CA10338090.